The following is an entry in ClinVar:

ClinVar aggregate classification (germline): Uncertain significance. Review status: criteria provided, single submitter (1 of 4 stars). 2 submissions from 2 submitters: Uncertain significance (1). 1 of the submissions does not count toward it. Last evaluated 2024-01-02.

Conditions:
Neu-Laxova syndrome 2. Identifiers: Orphanet 2671, Orphanet 583602, MedGen C4015019, MONDO:0014466, OMIM 616038.

Allele frequency attached by ClinVar (database versions not stated): gnomAD below 0.00001 and 0.00003; gnomAD exomes 0.00005 and 0.00010; ExAC 0.00011; 1000 Genomes Project 30x 0.00047; 1000 Genomes Project 0.00060.
gnomAD v4.1: 81 of 1,610,872 alleles (0.005%); highest among the groups gnomAD compares: South Asian, 0.08%; 1 homozygote.

Submissions (2):

Labcorp Genetics (formerly Invitae), Labcorp
Classification: Uncertain significance for Neu-Laxova syndrome 2. Last evaluated: 2024-01-02. Review status: criteria provided, single submitter. Criteria: Invitae Variant Classification Sherloc (09022015). Collection method: clinical testing. Allele origin: germline.
Comment: This sequence change replaces glutamic acid, which is acidic and polar, with glycine, which is neutral and non-polar, at codon 366 of the PSAT1 protein (p.Glu366Gly). This variant is present in population databases (rs539796298, gnomAD 0.07%). This variant has not been reported in the literature in individuals affected with PSAT1-related conditions. ClinVar contains an entry for this variant (Variation ID: 848411). An algorithm developed to predict the effect of missense changes on protein structure and function (PolyPhen-2) suggests that this variant is likely to be tolerated. Experimental studies have shown that this missense change does not substantially affect PSAT1 function (PMID: 32077105). In summary, the available evidence is currently insufficient to determine the role of this variant in disease. Therefore, it has been classified as a Variant of Uncertain Significance.

Dudley Research Group, Pacific Northwest Research Institute
No classification provided. Review status: no classification provided. Collection method: research, in vivo. Allele origin: unknown, not applicable. Functional consequence: functionally_normal. Not counted in ClinVar's aggregate classification.

Literature cited by the submitters: PubMed 32077105 (cited by Labcorp Genetics (formerly Invitae), Labcorp).

NM_058179.4(PSAT1):c.1097A>G (p.Glu366Gly)

Gene: PSAT1 (phosphoserine aminotransferase 1; plus strand). Cytogenetic location: 9q21.2.
Variant type: single nucleotide variant.
Coding change: c.1097A>G on transcript NM_058179.4 (MANE Select); coding-DNA position 1097, A replaced by G.
Protein change: p.Glu366Gly; replaces glutamic acid 366 with glycine.
Molecular consequence: missense variant.
Genome position (GRCh38, 1-based): chr9:78,329,070, A>G. VCF-style: chr9-78329070-A-G. GRCh37 (hg19) VCF-style: chr9-80943986-A-G.
Other names: c.959A>G, p.Glu320Gly (NM_021154.5); short protein forms E366G, E320G.
Identifiers: ClinVar variation 848411 (VCV000848411.13), dbSNP rs539796298, ClinGen allele CA5095811.